The following is an entry in ClinVar:

ClinVar aggregate classification (germline): Uncertain significance (1 of 4 stars; one submission).

Conditions:
Charcot-Marie-Tooth disease axonal type 2S. Also called: CHARCOT-MARIE-TOOTH NEUROPATHY, TYPE 2S; CHARCOT-MARIE-TOOTH DISEASE, AXONAL, AUTOSOMAL RECESSIVE, TYPE 2S. Identifiers: Orphanet 443073, MedGen C4015349, MONDO:0014511, OMIM 616155.
Autosomal recessive distal spinal muscular atrophy 1. Also called: NEURONOPATHY, DISTAL HEREDITARY MOTOR, HARDING TYPE VI; NEUROPATHY, DISTAL HEREDITARY MOTOR, AUTOSOMAL RECESSIVE 1; HMN VI; NEURONOPATHY, SEVERE INFANTILE AXONAL, WITH RESPIRATORY FAILURE; SEVERE INFANTILE AXONAL NEUROPATHY WITH RESPIRATORY FAILURE; SPINAL MUSCULAR ATROPHY, DIAPHRAGMATIC. Identifiers: Orphanet 98920, MedGen C1858517, MONDO:0011436, OMIM 604320.

gnomAD v4.1: 4 of 1,614,102 alleles (0.00025%); highest among the groups gnomAD compares: Non-Finnish European, 0.00034%; no homozygotes.

Submission:

Labcorp Genetics (formerly Invitae), Labcorp
Classification: Uncertain significance for Autosomal recessive distal spinal muscular atrophy 1; Charcot-Marie-Tooth disease axonal type 2S. Last evaluated: 2025-12-09. Review status: criteria provided, single submitter. Criteria: Invitae Variant Classification Sherloc (09022015). Collection method: clinical testing. Allele origin: germline.
Comment: This sequence change replaces alanine, which is neutral and non-polar, with threonine, which is neutral and polar, at codon 290 of the IGHMBP2 protein (p.Ala290Thr). This variant is present in population databases (rs370988994, gnomAD 0.007%). This variant has not been reported in the literature in individuals affected with IGHMBP2-related conditions. Invitae Evidence Modeling of protein sequence and biophysical properties (such as structural, functional, and spatial information, amino acid conservation, physicochemical variation, residue mobility, and thermodynamic stability) indicates that this missense variant is not expected to disrupt IGHMBP2 protein function with a negative predictive value of 95%. In summary, the available evidence is currently insufficient to determine the role of this variant in disease. Therefore, it has been classified as a Variant of Uncertain Significance.

NM_002180.3(IGHMBP2):c.868G>A (p.Ala290Thr)

Gene: IGHMBP2 (immunoglobulin mu DNA binding protein 2; plus strand). Cytogenetic location: 11q13.3.
Variant type: single nucleotide variant.
Coding change: c.868G>A on transcript NM_002180.3 (MANE Select); coding-DNA position 868, G replaced by A.
Protein change: p.Ala290Thr; replaces alanine 290 with threonine.
Molecular consequence: missense variant.
Genome position (GRCh38, 1-based): chr11:68,914,979, G>A. VCF-style: chr11-68914979-G-A. GRCh37 (hg19) VCF-style: chr11-68682447-G-A.
Other names: short protein forms A290T.
Identifiers: ClinVar variation 4790623 (VCV004790623.1).